The following is an entry in ClinVar:

NM_032217.5(ANKRD17):c.6055A>C (p.Asn2019His)

Gene: ANKRD17 (ankyrin repeat domain 17; minus strand). Cytogenetic location: 4q13.3.
Variant type: single nucleotide variant.
Coding change: c.6055A>C on transcript NM_032217.5 (MANE Select); coding-DNA position 6055, A replaced by C.
Protein change: p.Asn2019His; replaces asparagine 2019 with histidine.
Molecular consequence: missense variant.
Genome position (GRCh38, 1-based): chr4:73,091,573, T>G on the plus strand (A>C on the coding strand, the complement: ANKRD17 is on the minus strand). VCF-style: chr4-73091573-T-G. GRCh37 (hg19) VCF-style: chr4-73957290-T-G.
Other names: c.5716A>C, p.Asn1906His (NM_001286771.3); c.6052A>C, p.Asn2018His (NM_015574.2); c.5302A>C, p.Asn1768His (NM_198889.3); short protein forms N1768H, N1906H, N2018H, N2019H.
Identifiers: ClinVar variation 3902739 (VCV003902739.1).
Genomic context (GRCh38, chr4:73,091,573, plus strand): 5'-GATAGTGTTCTTTGGCAGTAGGCATAGGATATGTGGCATTTGTGGGTGCAGTGTTGTTGT[T>G]GCTTGCCGTGGTTGTGACTGTTGTTGTGGTGGCATTGGATGTCTTCACAACTGTGACAAA-3'
Protein context (NP_115593.3, residues 2009-2029): TTTTVTTTAS[Asn2019His]NNTAPTNATY

ClinVar aggregate classification (germline): Uncertain significance (1 of 4 stars; one submission).

Submission:

Women's Health and Genetics/Laboratory Corporation of America, LabCorp
Classification: Uncertain significance. Last evaluated: 2025-05-30. Review status: criteria provided, single submitter. Criteria: LabCorp Variant Classification Summary - May 2015. Collection method: clinical testing. Allele origin: germline.
Comment: Variant summary: ANKRD17 c.6055A>C (p.Asn2019His) results in a conservative amino acid change in the encoded protein sequence. Algorithms developed to predict the effect of missense changes on protein structure and function are either unavailable or do not agree on the potential impact of this missense change. The variant was absent in 251412 control chromosomes. The available data on variant occurrences in the general population are insufficient to allow any conclusion about variant significance. To our knowledge, no occurrence of c.6055A>C in individuals affected with Chopra-Amiel Syndrome and no experimental evidence demonstrating its impact on protein function have been reported. No submitters have cited clinical-significance assessments for this variant to ClinVar. Based on the evidence outlined above, the variant was classified as uncertain significance.